The following is an entry in ClinVar:

NM_001171.6(ABCC6):c.3691G>A (p.Val1231Met)

Gene: ABCC6 (ATP binding cassette subfamily C member 6; minus strand). Cytogenetic location: 16p13.11.
Variant type: single nucleotide variant.
Coding change: c.3691G>A on transcript NM_001171.6 (MANE Select); coding-DNA position 3691, G replaced by A.
Protein change: p.Val1231Met; replaces valine 1231 with methionine.
Molecular consequence: missense variant. On other transcripts: non-coding transcript variant (1).
Genome position (GRCh38, 1-based): chr16:16,159,526, C>T on the plus strand (G>A on the coding strand, the complement: ABCC6 is on the minus strand). VCF-style: chr16-16159526-C-T. GRCh37 (hg19) VCF-style: chr16-16253383-C-T.
Other names: c.3349G>A, p.Val1117Met (NM_001351800.1); c.3691G>A (NM_001171.5); short protein forms V1231M, V1117M.
Identifiers: ClinVar variation 493174 (VCV000493174.48), dbSNP rs141728905, ClinGen allele CA7925484.
Genomic context (GRCh38, chr16:16,159,526, plus strand): 5'-ACCTCCCGCCCATCACCTCCTTGGGCGTCCAGGCATAGTCCTGCATCCGCTCCACTGACA[C>T]GATGCTGTTCTCTAGGTCTGTCCAGTTGCGAACAACCCACTGCAGTGTCTGGGTCACCTG-3'
Protein context (NP_001162.5, residues 1221-1241): RNWTDLENSI[Val1231Met]SVERMQDYAW

ClinVar aggregate classification (germline): Uncertain significance. Review status: criteria provided, multiple submitters, no conflicts (2 of 4 stars). 5 submissions from 5 submitters: Uncertain significance (5). Last evaluated 2026-02-14.

Conditions:
Autosomal recessive inherited pseudoxanthoma elasticum (PXE). Identifiers: Orphanet 758, MedGen CN032334, MONDO:0009925, OMIM 264800.
Pseudoxanthoma elasticum, forme fruste. Also called: Pseudoxanthoma Elasticum, Incomplete; PSEUDOXANTHOMA ELASTICUM, HETEROZYGOUS. Identifiers: Orphanet 758, MedGen C1867450, MONDO:0008333, OMIM 177850.
Arterial calcification, generalized, of infancy, 2. Identifiers: Orphanet 51608, MedGen C3276161, MONDO:0013768, OMIM 614473.

Allele frequency attached by ClinVar (database versions not stated): ExAC 0.00002; gnomAD exomes 0.00002; gnomAD 0.00006 and 0.00007; ESP Exome Variant Server 0.00008; TOPMed 0.00009.
gnomAD v4.1: 110 of 1,614,038 alleles (0.0068%); highest among the groups gnomAD compares: Non-Finnish European, 0.0086%; no homozygotes.

Submissions (5):

GeneDx
Classification: Uncertain significance. Last evaluated: 2026-02-14. Review status: criteria provided, single submitter. Criteria: GeneDx Variant Classification Process June 2021. Collection method: clinical testing. Allele origin: germline.
Comment: In silico analysis supports that this missense variant has a deleterious effect on protein structure/function; Has not been previously published as pathogenic or benign to our knowledge

Labcorp Genetics (formerly Invitae), Labcorp
Classification: Uncertain significance. Last evaluated: 2022-07-25. Review status: criteria provided, single submitter. Criteria: Invitae Variant Classification Sherloc (09022015). Collection method: clinical testing. Allele origin: germline.
Comment: This sequence change replaces valine, which is neutral and non-polar, with methionine, which is neutral and non-polar, at codon 1231 of the ABCC6 protein (p.Val1231Met). This variant is present in population databases (rs141728905, gnomAD 0.008%). This variant has not been reported in the literature in individuals affected with ABCC6-related conditions. ClinVar contains an entry for this variant (Variation ID: 493174). Algorithms developed to predict the effect of missense changes on protein structure and function output the following: SIFT: "Deleterious"; PolyPhen-2: "Probably Damaging"; Align-GVGD: "Class C0". The methionine amino acid residue is found in multiple mammalian species, which suggests that this missense change does not adversely affect protein function. In summary, the available evidence is currently insufficient to determine the role of this variant in disease. Therefore, it has been classified as a Variant of Uncertain Significance.

Fulgent Genetics
Classification: Uncertain significance for Pseudoxanthoma elasticum, forme fruste; Autosomal recessive inherited pseudoxanthoma elasticum; Arterial calcification, generalized, of infancy, 2. Last evaluated: 2022-05-12. Review status: criteria provided, single submitter. Criteria: ACMG Guidelines, 2015. Collection method: clinical testing. Allele origin: unknown.

Blueprint Genetics
Classification: Uncertain significance. Last evaluated: 2021-10-12. Review status: criteria provided, single submitter. Criteria: ACMG Guidelines, 2015. Collection method: clinical testing. Allele origin: germline.

CeGaT Center for Human Genetics Tuebingen
Classification: Uncertain significance. Last evaluated: 2017-09-01. Review status: criteria provided, single submitter. Criteria: CeGaT Center For Human Genetics Tuebingen Variant Classification Criteria Version 2. Collection method: clinical testing. Allele origin: germline. Affected: yes. Observed: 1 variant allele.